The following is an entry in ClinVar:

NM_001244008.2(KIF1A):c.224_363+71delinsT

Gene: KIF1A (kinesin family member 1A; minus strand). Cytogenetic location: 2q37.3.
Variant type: Indel.
Coding change: c.224_363+71delinsT on transcript NM_001244008.2 (MANE Select); coding-DNA position 224 through 71 bases into the intron after coding-DNA position 363, the reference bases replaced by T.
Molecular consequence: splice donor variant.
Genome position (GRCh38, 1-based): chr2:240,787,980-240,788,190, 211 bases replaced. GRCh37 (hg19): chr2:241,727,397-241,727,607.
Other names: c.224_363+71delinsT (NM_001379653.1, NM_001379650.1, NM_001379645.1 and 20 more transcripts).
Identifiers: ClinVar variation 4785370 (VCV004785370.1).

ClinVar aggregate classification (germline): Pathogenic (1 of 4 stars; one submission).

Conditions:
Neuropathy, hereditary sensory, type 2C. Also called: KIF1A-Related HSAN2 (HSAN2C); Hereditary sensory and autonomic neuropathy type IIC. Identifiers: Orphanet 970, MedGen C3280168, MONDO:0013634, OMIM 614213.
Hereditary spastic paraplegia 30. Identifiers: Orphanet 101010, MedGen C5235139, MONDO:0012476.
Intellectual disability, autosomal dominant 9 (NESCAVS). Also called: KIF1A-Related Neurodevelopmental Disorder; NESCAV SYNDROME. Identifiers: Orphanet 662367, MedGen C5393830, MONDO:0013656, OMIM 614255.

Submission:

Labcorp Genetics (formerly Invitae), Labcorp
Classification: Pathogenic for Hereditary spastic paraplegia 30; Neuropathy, hereditary sensory, type 2C; Intellectual disability, autosomal dominant 9. Last evaluated: 2025-06-22. Review status: criteria provided, single submitter. Criteria: Invitae Variant Classification Sherloc (09022015). Collection method: clinical testing. Allele origin: germline.
Comment: This variant results in the deletion of part of exon 3 (c.224_363+71delinsT) of the KIF1A gene. It is expected to disrupt RNA splicing. Variants that disrupt the donor or acceptor splice site typically lead to a loss of protein function (PMID: 16199547), and loss-of-function variants in KIF1A are known to be pathogenic (PMID: 21820098). This variant is not present in population databases (gnomAD no frequency). This variant has not been reported in the literature in individuals affected with KIF1A-related conditions. This variant disrupts a region of the KIF1A protein in which other variant(s) (p.Gly78Ser) have been determined to be pathogenic (PMID: 31488895; internal data). This suggests that this is a clinically significant region of the protein, and that variants that disrupt it are likely to be disease-causing. For these reasons, this variant has been classified as Pathogenic.

Literature cited by the submitters: PubMed 16199547; PubMed 21820098; PubMed 31488895.